The following is an entry in ClinVar:

ClinVar aggregate classification (germline): Likely benign (1 of 4 stars; one submission).

Conditions:
CYP27A1-related disorder. Also called: CYP27A1-related condition.

gnomAD v4.1: 17 of 1,586,136 alleles (0.0011%); highest among the groups gnomAD compares: Non-Finnish European, 0.0015%; no homozygotes.

Submission:

PreventionGenetics, part of Exact Sciences
Classification: Likely benign for CYP27A1-related condition. Last evaluated: 2026-05-01. Review status: criteria provided, single submitter. Criteria: ACMG Guidelines, 2015. Collection method: clinical testing. Allele origin: germline.
Comment: This variant is classified as likely benign based on ACMG/AMP sequence variant interpretation guidelines (Richards et al. 2015 PMID: 25741868, with internal and published modifications).

NM_000784.4(CYP27A1):c.99C>A (p.Ala33=)

Gene: CYP27A1 (cytochrome P450 family 27 subfamily A member 1; plus strand). Cytogenetic location: 2q35.
Variant type: single nucleotide variant.
Coding change: c.99C>A on transcript NM_000784.4 (MANE Select); coding-DNA position 99, C replaced by A.
Protein change: p.Ala33=; no amino-acid change (alanine 33 retained).
Molecular consequence: synonymous variant.
Genome position (GRCh38, 1-based): chr2:218,782,281, C>A. VCF-style: chr2-218782281-C-A. GRCh37 (hg19) VCF-style: chr2-219647004-C-A.
Identifiers: ClinVar variation 4997217 (VCV004997217.1).